The following is an entry in ClinVar:

NM_000138.5(FBN1):c.8444T>C (p.Leu2815Pro)

Gene: FBN1 (fibrillin 1; minus strand). Cytogenetic location: 15q21.1.
Variant type: single nucleotide variant.
Coding change: c.8444T>C on transcript NM_000138.5 (MANE Select); coding-DNA position 8444, T replaced by C.
Protein change: p.Leu2815Pro; replaces leucine 2815 with proline.
Molecular consequence: missense variant.
Genome position (GRCh38, 1-based): chr15:48,411,162, A>G on the plus strand (T>C on the coding strand, the complement: FBN1 is on the minus strand). VCF-style: chr15-48411162-A-G. GRCh37 (hg19) VCF-style: chr15-48703359-A-G.
Other names: c.8444T>C, p.Leu2815Pro (NM_001406716.1); short protein forms L2815P.
Identifiers: ClinVar variation 1719055 (VCV001719055.5), dbSNP rs113170280, ClinGen allele CA392319026.

ClinVar aggregate classification (germline): Uncertain significance (1 of 4 stars; one submission).

Conditions:
Marfan syndrome (MFS). Also called: Marfan's syndrome; Marfan syndrome, classic; MARFAN SYNDROME, TYPE I; Marfan syndrome type 1; FBN1-Related Marfan Syndrome. Identifiers: Orphanet 284963, Orphanet 558, MedGen C0024796, MONDO:0007947, OMIM 154700.
Familial thoracic aortic aneurysm and aortic dissection (TAAD). Also called: Thoracic aortic aneurysms and dissections. Identifiers: Orphanet 91387, MedGen C4707243, MONDO:0019625.

Submission:

Labcorp Genetics (formerly Invitae), Labcorp
Classification: Uncertain significance for Marfan syndrome; Familial thoracic aortic aneurysm and aortic dissection. Last evaluated: 2023-08-04. Review status: criteria provided, single submitter. Criteria: Invitae Variant Classification Sherloc (09022015). Collection method: clinical testing. Allele origin: germline.
Comment: This variant is not present in population databases (gnomAD no frequency). This sequence change replaces leucine, which is neutral and non-polar, with proline, which is neutral and non-polar, at codon 2815 of the FBN1 protein (p.Leu2815Pro). This missense change has been observed in individual(s) with Marfan syndrome (Invitae). In summary, the available evidence is currently insufficient to determine the role of this variant in disease. Therefore, it has been classified as a Variant of Uncertain Significance. Advanced modeling of protein sequence and biophysical properties (such as structural, functional, and spatial information, amino acid conservation, physicochemical variation, residue mobility, and thermodynamic stability) performed at Invitae indicates that this missense variant is expected to disrupt FBN1 protein function. ClinVar contains an entry for this variant (Variation ID: 1719055).